The following is an entry in ClinVar:

NM_000088.4(COL1A1):c.3531+3A>T

Gene: COL1A1 (collagen type I alpha 1 chain; minus strand). Cytogenetic location: 17q21.33.
Variant type: single nucleotide variant.
Coding change: c.3531+3A>T on transcript NM_000088.4 (MANE Select); 3 bases into the intron after coding-DNA position 3531, A replaced by T.
Molecular consequence: intron variant.
Genome position (GRCh38, 1-based): chr17:50,187,012, T>A on the plus strand (A>T on the coding strand, the complement: COL1A1 is on the minus strand). VCF-style: chr17-50187012-T-A. GRCh37 (hg19) VCF-style: chr17-48264373-T-A.
Identifiers: ClinVar variation 959286 (VCV000959286.4), dbSNP rs1906604888, ClinGen allele CA1139665688.

ClinVar aggregate classification (germline): Uncertain significance. Review status: criteria provided, multiple submitters, no conflicts (2 of 4 stars). 2 submissions from 2 submitters: Uncertain significance (2). Last evaluated 2023-03-30.

Conditions:
Osteogenesis imperfecta (OI). Identifiers: Orphanet 666, MedGen C0029434, MeSH D010013, MONDO:0019019.
Osteogenesis imperfecta type I (OI1). Also called: Lobstein's Disease; OI, TYPE I; OSTEOGENESIS IMPERFECTA TARDA; OSTEOGENESIS IMPERFECTA WITH BLUE SCLERAE; Lobstein disease; Osteogenesis imperfecta type 1. Identifiers: Orphanet 216796, Orphanet 666, MedGen C0023931, MONDO:0008146, OMIM 166200. Disease mechanism: loss of function.

Submissions (2):

Molecular Genetics, Royal Melbourne Hospital
Classification: Uncertain significance for Osteogenesis imperfecta. Last evaluated: 2023-03-30. Review status: criteria provided, single submitter. Criteria: ACMG Guidelines, 2015. Collection method: clinical testing. Allele origin: germline. Affected: yes.
Comment: This sequence change in COL1A1 is an intronic variant located in intron 47. This variant is absent from the population database gnomAD v2.1 and v3.1. This variant has been reported in at least three probands with a clinical diagnosis of osteogenesis imperfecta (PMID: 29635034; ClinVar: SCV001405167.3; Royal Melbourne Hospital). The results from multiple in silico splicing predictors (SpliceAI, MaxEntScan, varSEAK) indicate that this variant may impact splicing by disrupting the donor splice site of intron 47 of COL1A1. Based on the classification scheme RMH Modified ACMG Guidelines v1.5.1, this variant is classified as a VARIANT OF UNCERTAIN SIGNIFICANCE. Following criteria are met: PS4_Moderate, PM2_Supporting, PP3.

Labcorp Genetics (formerly Invitae), Labcorp
Classification: Uncertain significance for Osteogenesis imperfecta type I. Last evaluated: 2019-09-20. Review status: criteria provided, single submitter. Criteria: Invitae Variant Classification Sherloc (09022015). Collection method: clinical testing. Allele origin: germline.
Comment: This sequence change falls in intron 47 of the COL1A1 gene. It does not directly change the encoded amino acid sequence of the COL1A1 protein, but it affects a nucleotide within the consensus splice site of the intron. This variant is not present in population databases (ExAC no frequency). This variant has not been reported in the literature in individuals with COL1A1-related conditions. Nucleotide substitutions within the consensus splice site are a relatively common cause of aberrant splicing (PMID: 17576681, 9536098). Algorithms developed to predict the effect of sequence changes on RNA splicing suggest that this variant may disrupt the consensus splice site, but this prediction has not been confirmed by published transcriptional studies. In summary, the available evidence is currently insufficient to determine the role of this variant in disease. Therefore, it has been classified as a Variant of Uncertain Significance.

Literature cited by the submitters: PubMed 29635034 (cited by Molecular Genetics, Royal Melbourne Hospital); PubMed 17576681 (cited by Labcorp Genetics (formerly Invitae), Labcorp); PubMed 9536098 (cited by Labcorp Genetics (formerly Invitae), Labcorp).